The following is an entry in ClinVar:

ClinVar aggregate classification (germline): Benign/Likely benign. Review status: criteria provided, multiple submitters, no conflicts (2 of 4 stars). 6 submissions from 6 submitters: Benign (1); Likely benign (5). Last evaluated 2026-04-01.

Conditions:
Atransferrinemia. Also called: Familial hypotransferrinemia. Identifiers: Orphanet 1195, MedGen C0521802, MONDO:0008846, OMIM 209300, HP:0012239.

Allele frequency attached by ClinVar (database versions not stated): 1000 Genomes Project 0.00100; 1000 Genomes Project 30x 0.00109; ExAC 0.00198; gnomAD exomes 0.00217 and 0.00363; gnomAD 0.00249 and 0.00252; ESP Exome Variant Server 0.00254; TOPMed 0.00255.
gnomAD v4.1: 5,698 of 1,614,122 alleles (0.35%); highest among the groups gnomAD compares: Non-Finnish European, 0.43%; 13 homozygotes.

Submissions (6):

CeGaT Center for Human Genetics Tuebingen
Classification: Likely benign. Last evaluated: 2026-04-01. Review status: criteria provided, single submitter. Criteria: CeGaT Center For Human Genetics Tuebingen Variant Classification Criteria Version 2. Collection method: clinical testing. Allele origin: germline. Affected: yes. Observed: 3 variant alleles.
Comment: TF: BP4, BP7, BS2; INHCAP: BS2

Labcorp Genetics (formerly Invitae), Labcorp
Classification: Benign. Last evaluated: 2026-02-02. Review status: criteria provided, single submitter. Criteria: Invitae Variant Classification Sherloc (09022015). Collection method: clinical testing. Allele origin: germline.

Mayo Clinic Laboratories, Mayo Clinic
Classification: Likely benign. Last evaluated: 2024-12-03. Review status: criteria provided, single submitter. Criteria: ACMG Guidelines, 2015. Collection method: clinical testing. Allele origin: germline. Observed: 1 variant allele.
Comment: BP4, BP7

Blueprint Genetics
Classification: Likely benign. Last evaluated: 2024-11-13. Review status: criteria provided, single submitter. Criteria: ACMG Guidelines, 2015. Collection method: clinical testing. Allele origin: germline.

Illumina Laboratory Services, Illumina
Classification: Likely benign for Atransferrinemia. Last evaluated: 2018-01-13. Review status: criteria provided, single submitter. Criteria: ICSL Variant Classification Criteria 13 December 2019. Collection method: clinical testing. Allele origin: germline.
Comment: This variant was observed in the ICSL laboratory as part of a predisposition screen in an ostensibly healthy population. It had not been previously curated by ICSL or reported in the Human Gene Mutation Database (HGMD: prior to June 1st, 2018), and was therefore a candidate for classification through an automated scoring system. Utilizing variant allele frequency, disease prevalence and penetrance estimates, and inheritance mode, an automated score was calculated to assess if this variant is too frequent to cause the disease. Based on the score and internal cut-off values, a variant classified as likely benign is not then subjected to further curation. The score for this variant resulted in a classification of likely benign for this disease.

Breakthrough Genomics
Classification: Likely benign. Review status: criteria provided, single submitter. Criteria: ACMG Guidelines, 2015. Collection method: not provided. Allele origin: germline. Inheritance: Autosomal recessive inheritance. Affected: yes.

NM_001063.4(TF):c.333G>A (p.Gln111=)

Gene: TF (transferrin; plus strand). Cytogenetic location: 3q22.1.
Variant type: single nucleotide variant.
Coding change: c.333G>A on transcript NM_001063.4 (MANE Select); coding-DNA position 333, G replaced by A.
Protein change: p.Gln111=; no amino-acid change (glutamine 111 retained).
Molecular consequence: synonymous variant. On other transcripts: 5 prime UTR variant (1).
Genome position (GRCh38, 1-based): chr3:133,754,502, G>A. VCF-style: chr3-133754502-G-A. GRCh37 (hg19) VCF-style: chr3-133473346-G-A.
Other names: p.Gln111=; c.201G>A, p.Gln67= (NM_001354703.2); c.-49G>A (NM_001354704.2).
Identifiers: ClinVar variation 343429 (VCV000343429.29), dbSNP rs150548621, ClinGen allele CA2624955.